The following is an entry in ClinVar:

NM_206933.4(USH2A):c.14965A>T (p.Lys4989Ter)

Gene: USH2A (usherin; minus strand). Cytogenetic location: 1q41.
Variant type: single nucleotide variant.
Coding change: c.14965A>T on transcript NM_206933.4 (MANE Select); coding-DNA position 14965, A replaced by T.
Protein change: p.Lys4989Ter; replaces lysine 4989 with a stop codon.
Molecular consequence: nonsense.
Genome position (GRCh38, 1-based): chr1:215,640,561, T>A on the plus strand (A>T on the coding strand, the complement: USH2A is on the minus strand). VCF-style: chr1-215640561-T-A. GRCh37 (hg19) VCF-style: chr1-215813903-T-A.
Other names: short protein forms K4989*.
Identifiers: ClinVar variation 959490 (VCV000959490.9), dbSNP rs770658506, ClinGen allele CA344827573.

ClinVar aggregate classification (germline): Pathogenic/Likely pathogenic. Review status: criteria provided, multiple submitters, no conflicts (2 of 4 stars). 3 submissions from 3 submitters: Pathogenic (2); Likely pathogenic (1). Last evaluated 2026-04-02.

Conditions:
Usher syndrome type 2A. Also called: RETINAL DISEASE IN USHER SYNDROME TYPE IIA, MODIFIER OF; USHER SYNDROME, TYPE IIA. Identifiers: Orphanet 231178, Orphanet 886, MedGen C1848634, MONDO:0010169, OMIM 276901.

gnomAD v4.1: 1 of 1,613,682 alleles (0.000062%); no homozygotes.

Submissions (3):

Dasa
Classification: Pathogenic. Last evaluated: 2026-04-02. Review status: criteria provided, single submitter. Criteria: DASA Assertion Criteria. Collection method: clinical testing. Allele origin: germline.
Comment: NM_206933.4(USH2A):c.14965A>T (p.Lys4989*) introduces a premature termination codon predicted to result in loss of normal protein function. Loss-of-function is an established mechanism of disease for this gene. The variant is present at low frequency in population datasets. Based on the available data, this variant is classified as pathogenic.

Natera, Inc.
Classification: Likely pathogenic for Usher syndrome type 2A. Last evaluated: 2024-05-06. Review status: criteria provided, single submitter. Criteria: Natera Variant Classification Schema (03/2026). Collection method: clinical testing. Allele origin: germline.
Comment: The c.14965A>T variant in USH2A is a nonsense variant predicted to introduce a stop codon at amino acid 4989. This variant is expected to result in nonsense mediated decay, truncation, or a dysfunctional protein product. This variant is rare in the general population with a frequency below the threshold expected for the associated phenotype(s). Given the available evidence, this variant is classified as Likely Pathogenic.

Labcorp Genetics (formerly Invitae), Labcorp
Classification: Pathogenic. Last evaluated: 2021-08-27. Review status: criteria provided, single submitter. Criteria: Invitae Variant Classification Sherloc (09022015). Collection method: clinical testing. Allele origin: germline.
Comment: For these reasons, this variant has been classified as Pathogenic. This sequence change creates a premature translational stop signal (p.Lys4989*) in the USH2A gene. It is expected to result in an absent or disrupted protein product. Loss-of-function variants in USH2A are known to be pathogenic (PMID: 10729113, 10909849, 20507924, 25649381). This variant is not present in population databases (ExAC no frequency). This variant has not been reported in the literature in individuals with USH2A-related conditions. ClinVar contains an entry for this variant (Variation ID: 959490).

Literature cited by the submitters: PubMed 10729113 (cited by Labcorp Genetics (formerly Invitae), Labcorp); PubMed 10909849 (cited by Labcorp Genetics (formerly Invitae), Labcorp); PubMed 20507924 (cited by Labcorp Genetics (formerly Invitae), Labcorp); PubMed 25649381 (cited by Labcorp Genetics (formerly Invitae), Labcorp).